The following is an entry in ClinVar:

NM_000289.6(PFKM):c.2039G>A (p.Gly680Asp)

Gene: PFKM (phosphofructokinase, muscle; plus strand). Cytogenetic location: 12q13.11.
Variant type: single nucleotide variant.
Coding change: c.2039G>A on transcript NM_000289.6 (MANE Select); coding-DNA position 2039, G replaced by A.
Protein change: p.Gly680Asp; replaces glycine 680 with aspartic acid.
Molecular consequence: missense variant. On other transcripts: non-coding transcript variant (6).
Genome position (GRCh38, 1-based): chr12:48,145,077, G>A. VCF-style: chr12-48145077-G-A. GRCh37 (hg19) VCF-style: chr12-48538860-G-A.
Other names: c.2252G>A, p.Gly751Asp (NM_001166686.2, NM_001354737.1, NM_001354738.1 and 1 more transcripts); c.2039G>A, p.Gly680Asp (NM_001166687.2, NM_001166688.2, NM_001354742.2 and 2 more transcripts); c.2348G>A, p.Gly783Asp (NM_001354735.1, NM_001354736.1); c.2183G>A, p.Gly728Asp (NM_001354740.1); c.2063G>A, p.Gly688Asp (NM_001354741.2); c.1952G>A, p.Gly651Asp (NM_001354745.2); c.1913G>A, p.Gly638Asp (NM_001354746.2); c.1889G>A, p.Gly630Asp (NM_001354747.2, NM_001354748.2); and 1 more; short protein forms G638D, G728D, G751D, G783D, G630D, G649D, G651D, G688D.
Identifiers: ClinVar variation 2769127 (VCV002769127.3), dbSNP rs2498677649, ClinGen allele CA384555817.

ClinVar aggregate classification (germline): Uncertain significance (1 of 4 stars; one submission).

Conditions:
Glycogen storage disease, type VII (GSD7). Also called: GSD VII; MUSCLE PHOSPHOFRUCTOKINASE DEFICIENCY; PFKM DEFICIENCY; TARUI DISEASE. Identifiers: Orphanet 371, MedGen C0017926, MONDO:0009295, OMIM 232800.

Submission:

Labcorp Genetics (formerly Invitae), Labcorp
Classification: Uncertain significance for Glycogen storage disease, type VII. Last evaluated: 2023-10-16. Review status: criteria provided, single submitter. Criteria: Invitae Variant Classification Sherloc (09022015). Collection method: clinical testing. Allele origin: germline.
Comment: This sequence change replaces glycine, which is neutral and non-polar, with aspartic acid, which is acidic and polar, at codon 680 of the PFKM protein (p.Gly680Asp). This variant is not present in population databases (gnomAD no frequency). This variant has not been reported in the literature in individuals affected with PFKM-related conditions. Advanced modeling of protein sequence and biophysical properties (such as structural, functional, and spatial information, amino acid conservation, physicochemical variation, residue mobility, and thermodynamic stability) performed at Invitae indicates that this missense variant is expected to disrupt PFKM protein function. In summary, the available evidence is currently insufficient to determine the role of this variant in disease. Therefore, it has been classified as a Variant of Uncertain Significance.